The following is an entry in ClinVar:

NM_017617.5(NOTCH1):c.1290C>T (p.Ile430=)

Gene: NOTCH1 (notch receptor 1; minus strand). Cytogenetic location: 9q34.3.
Variant type: single nucleotide variant.
Coding change: c.1290C>T on transcript NM_017617.5 (MANE Select); coding-DNA position 1290, C replaced by T.
Protein change: p.Ile430=; no amino-acid change (isoleucine 430 retained).
Molecular consequence: synonymous variant.
Genome position (GRCh38, 1-based): chr9:136,517,903, G>A on the plus strand (C>T on the coding strand, the complement: NOTCH1 is on the minus strand). VCF-style: chr9-136517903-G-A. GRCh37 (hg19) VCF-style: chr9-139412355-G-A.
Identifiers: ClinVar variation 4121651 (VCV004121651.2).

ClinVar aggregate classification (germline): Conflicting classifications of pathogenicity. Review status: criteria provided, conflicting classifications (1 of 4 stars). 2 submissions from 2 submitters: Uncertain significance (1); Likely benign (1). Last evaluated 2025-07-22.

Conditions:
Adams-Oliver syndrome 5 (AOS5). Identifiers: Orphanet 974, MedGen C4014970, MONDO:0014459, OMIM 616028.
Familial thoracic aortic aneurysm and aortic dissection (TAAD). Also called: Thoracic aortic aneurysms and dissections. Identifiers: Orphanet 91387, MedGen C4707243, MONDO:0019625.

gnomAD v4.1: 2 of 1,612,166 alleles (0.00012%); highest among the groups gnomAD compares: Non-Finnish European, 0.00017%; no homozygotes.

Submissions (2):

Ambry Genetics
Classification: Uncertain significance for Familial thoracic aortic aneurysm and aortic dissection. Last evaluated: 2025-07-22. Review status: criteria provided, single submitter. Criteria: Ambry Variant Classification Scheme 2023. Collection method: clinical testing. Allele origin: germline.
Comment: The c.1290C>T variant (also known as p.I430I), located in coding exon 8 of the NOTCH1 gene, results from a C to T substitution at nucleotide position 1290. This nucleotide substitution does not change the isoleucine at codon 430. This nucleotide position is well conserved in available vertebrate species. In silico splice site analysis for this alteration is inconclusive. Based on the available evidence, the clinical significance of this variant remains unclear.

Labcorp Genetics (formerly Invitae), Labcorp
Classification: Likely benign for Adams-Oliver syndrome 5. Last evaluated: 2025-05-18. Review status: criteria provided, single submitter. Criteria: Invitae Variant Classification Sherloc (09022015). Collection method: clinical testing. Allele origin: germline.